The following is an entry in ClinVar:

NM_006996.3(SLC19A2):c.1322T>C (p.Ile441Thr)

Gene: SLC19A2 (solute carrier family 19 member 2; minus strand). Cytogenetic location: 1q24.2.
Variant type: single nucleotide variant.
Coding change: c.1322T>C on transcript NM_006996.3 (MANE Select); coding-DNA position 1322, T replaced by C.
Protein change: p.Ile441Thr; replaces isoleucine 441 with threonine.
Molecular consequence: missense variant.
Genome position (GRCh38, 1-based): chr1:169,468,154, A>G on the plus strand (T>C on the coding strand, the complement: SLC19A2 is on the minus strand). VCF-style: chr1-169468154-A-G. GRCh37 (hg19) VCF-style: chr1-169437392-A-G.
Other names: c.719T>C, p.Ile240Thr (NM_001319667.1); short protein forms I441T, I240T.
Identifiers: ClinVar variation 281210 (VCV000281210.33), dbSNP rs17847484, ClinGen allele CA1232852.

ClinVar aggregate classification (germline): Benign. Review status: criteria provided, multiple submitters, no conflicts (2 of 4 stars). 6 submissions from 6 submitters: Benign (6). Last evaluated 2026-06-01.

Conditions:
Megaloblastic anemia, thiamine-responsive, with diabetes mellitus and sensorineural deafness (TRMA). Also called: ROGERS SYNDROME; THIAMINE-RESPONSIVE ANEMIA SYNDROME; THIAMINE-RESPONSIVE MYELODYSPLASIA; Thiamine-Responsive Megaloblastic Anemia Syndrome; THIAMINE METABOLISM DYSFUNCTION SYNDROME 1 (MEGALOBLASTIC ANEMIA, DIABETES MELLITUS, AND DEAFNESS TYPE). Identifiers: Orphanet 49827, MedGen C0342287, MONDO:0009575, OMIM 249270.

Allele frequency attached by ClinVar (database versions not stated): ESP Exome Variant Server 0.00023; gnomAD 0.00169 and 0.00239; TOPMed 0.00452; ExAC 0.00458; gnomAD exomes 0.00512; 1000 Genomes Project 0.01538; 1000 Genomes Project 30x 0.01546.
gnomAD v4.1: 2,378 of 1,614,006 alleles (0.15%); highest among the groups gnomAD compares: East Asian, 4.2%; 85 homozygotes.

Submissions (6):

CeGaT Center for Human Genetics Tuebingen
Classification: Benign. Last evaluated: 2026-06-01. Review status: criteria provided, single submitter. Criteria: CeGaT Center For Human Genetics Tuebingen Variant Classification Criteria Version 2. Collection method: clinical testing. Allele origin: germline. Affected: yes. Observed: 7 variant alleles.
Comment: SLC19A2: BS1, BS2

Labcorp Genetics (formerly Invitae), Labcorp
Classification: Benign. Last evaluated: 2026-02-01. Review status: criteria provided, single submitter. Criteria: Invitae Variant Classification Sherloc (09022015). Collection method: clinical testing. Allele origin: germline.

ARUP Laboratories, Molecular Genetics and Genomics, ARUP Laboratories
Classification: Benign for Megaloblastic anemia, thiamine-responsive, with diabetes mellitus and sensorineural deafness. Last evaluated: 2025-02-06. Review status: criteria provided, single submitter. Criteria: ARUP Molecular Germline Variant Investigation Process 2024. Collection method: clinical testing. Allele origin: germline.

Illumina Laboratory Services, Illumina
Classification: Benign for Megaloblastic anemia, thiamine-responsive, with diabetes mellitus and sensorineural deafness. Last evaluated: 2018-01-13. Review status: criteria provided, single submitter. Criteria: ICSL Variant Classification Criteria 13 December 2019. Collection method: clinical testing. Allele origin: germline.
Comment: This variant was observed in the ICSL laboratory as part of a predisposition screen in an ostensibly healthy population. It had not been previously curated by ICSL or reported in the Human Gene Mutation Database (HGMD: prior to June 1st, 2018), and was therefore a candidate for classification through an automated scoring system. Utilizing variant allele frequency, disease prevalence and penetrance estimates, and inheritance mode, an automated score was calculated to assess if this variant is too frequent to cause the disease. Based on the score and internal cut-off values, a variant classified as benign is not then subjected to further curation. The score for this variant resulted in a classification of benign for this disease.

GeneDx
Classification: Benign. Last evaluated: 2016-07-21. Review status: criteria provided, single submitter. Criteria: GeneDx Variant Classification (06012015). Collection method: clinical testing. Allele origin: germline. Affected: yes.
Comment: This variant is considered likely benign or benign based on one or more of the following criteria: it is a conservative change, it occurs at a poorly conserved position in the protein, it is predicted to be benign by multiple in silico algorithms, and/or has population frequency not consistent with disease.

Eurofins Ntd Llc (ga)
Classification: Benign. Last evaluated: 2015-10-05. Review status: criteria provided, single submitter. Criteria: EGL Classification Definitions 2015. Collection method: clinical testing. Allele origin: germline. Observed: 1 variant allele, 1 heterozygote.

Literature cited by the submitters: PubMed 24355766 (cited by Eurofins Ntd Llc (ga)).